The following is an entry in ClinVar:

NM_006904.7(PRKDC):c.1114-1G>A

Gene: PRKDC (protein kinase, DNA-activated, catalytic subunit; minus strand). Cytogenetic location: 8q11.21.
Variant type: single nucleotide variant.
Coding change: c.1114-1G>A on transcript NM_006904.7 (MANE Select); the canonical splice acceptor site of the intron before coding-DNA position 1114, G replaced by A.
Molecular consequence: splice acceptor variant.
Genome position (GRCh38, 1-based): chr8:47,936,518, C>T on the plus strand (G>A on the coding strand, the complement: PRKDC is on the minus strand). VCF-style: chr8-47936518-C-T. GRCh37 (hg19) VCF-style: chr8-48849078-C-T.
Other names: c.1114-1G>A (NM_001081640.2).
Identifiers: ClinVar variation 451911 (VCV000451911.2), dbSNP rs1554645438, ClinGen allele CA371166406.
Genomic context (GRCh38, chr8:47,936,518, plus strand): 5'-GCGCTGAATGAGCTCAACGTACATGAAGTCAACATCTTTTGCGTTTATAACCTTGCACGG[C>T]TTTAGAAAAGGTAAAACAGAAGTCTTCATCAATCTTATCAAGATCAAAATAATATTTAAG-3'

ClinVar aggregate classification (germline): Uncertain significance (1 of 4 stars; one submission).

Allele frequency attached by ClinVar (database versions not stated): gnomAD exomes below 0.00001.
gnomAD v4.1: 1 of 1,613,738 alleles (0.000062%); highest among the groups gnomAD compares: Non-Finnish European, 0.000085%; no homozygotes.

Submission:

GeneDx
Classification: Uncertain significance. Last evaluated: 2018-10-10. Review status: criteria provided, single submitter. Criteria: GeneDx Variant Classification (06012015). Collection method: clinical testing. Allele origin: germline. Affected: yes.
Comment: The c.1114-1G>A variant in the PRKDC gene has not been reported previously as a pathogenic variant nor as a benign variant, to our knowledge. This splice site variant destroys the canonical splice acceptor site in intron 11. It is predicted to cause abnormal gene splicing resulting in an in-frame protein product with an abnormal message. However, in the absence of RNA/functional studies, the actual effect of c.1114-1G>A in this individual is unknown. The c.1114-1G>A variant is not observed in large population cohorts (Lek et al., 2016; 1000 Genomes Consortium et al., 2015; Exome Variant Server). We interpret c.1114-1G>A as a variant of uncertain significance.